The following is an entry in ClinVar:

NM_014264.5(PLK4):c.1934C>T (p.Thr645Met)

Gene: PLK4 (polo like kinase 4; plus strand). Cytogenetic location: 4q28.1.
Variant type: single nucleotide variant.
Coding change: c.1934C>T on transcript NM_014264.5 (MANE Select); coding-DNA position 1934, C replaced by T.
Protein change: p.Thr645Met; replaces threonine 645 with methionine.
Molecular consequence: missense variant.
Genome position (GRCh38, 1-based): chr4:127,891,195, C>T. VCF-style: chr4-127891195-C-T. GRCh37 (hg19) VCF-style: chr4-128812350-C-T.
Other names: c.1838C>T, p.Thr613Met (NM_001190799.2); c.1811C>T, p.Thr604Met (NM_001190801.2); c.1934C>T (NM_014264.4); short protein forms T604M, T613M, T645M.
Identifiers: ClinVar variation 1061583 (VCV001061583.3), dbSNP rs756811050, ClinGen allele CA3076888.
Genomic context (GRCh38, chr4:127,891,195, plus strand): 5'-AGGAGTATGCATCTCAAGAATATGTGAAAGAAGTTCTTCAGATATCTAGTGATGGAAATA[C>T]GGTAATGTGTAGTTACTTTATTACCTTGCAACTTCAAATTATCGTTTAAGCACGTTTAGC-3'
Protein context (NP_055079.3, residues 635-655): EVLQISSDGN[Thr645Met]ITIYYPNGGR

ClinVar aggregate classification (germline): Conflicting classifications of pathogenicity. Review status: criteria provided, conflicting classifications (1 of 4 stars). 2 submissions from 2 submitters: Uncertain significance (1); Likely benign (1). Last evaluated 2025-09-04.

Conditions:
Inborn genetic diseases. Identifiers: MedGen C0950123, MeSH D030342.

Allele frequency attached by ClinVar (database versions not stated): gnomAD 0.00001.
gnomAD v4.1: 13 of 1,418,234 alleles (0.00092%); highest among the groups gnomAD compares: Admixed American, 0.0035%; no homozygotes.

Submissions (2):

Ambry Genetics
Classification: Likely benign for Inborn genetic diseases. Last evaluated: 2025-09-04. Review status: criteria provided, single submitter. Criteria: Ambry Variant Classification Scheme 2023. Collection method: clinical testing. Allele origin: germline.

Labcorp Genetics (formerly Invitae), Labcorp
Classification: Uncertain significance. Last evaluated: 2022-01-15. Review status: criteria provided, single submitter. Criteria: Invitae Variant Classification Sherloc (09022015). Collection method: clinical testing. Allele origin: germline.
Comment: This sequence change replaces threonine, which is neutral and polar, with methionine, which is neutral and non-polar, at codon 645 of the PLK4 protein (p.Thr645Met). This variant is present in population databases (rs756811050, gnomAD 0.007%). This variant has not been reported in the literature in individuals affected with PLK4-related conditions. ClinVar contains an entry for this variant (Variation ID: 1061583). Algorithms developed to predict the effect of missense changes on protein structure and function output the following: SIFT: "Tolerated"; PolyPhen-2: "Benign"; Align-GVGD: "Class C0". The methionine amino acid residue is found in multiple mammalian species, which suggests that this missense change does not adversely affect protein function. Algorithms developed to predict the effect of sequence changes on RNA splicing suggest that this variant may disrupt the consensus splice site. In summary, the available evidence is currently insufficient to determine the role of this variant in disease. Therefore, it has been classified as a Variant of Uncertain Significance.